The following is an entry in ClinVar:

NM_001148.6(ANK2):c.11791G>A (p.Glu3931Lys)

Gene: ANK2 (ankyrin 2; plus strand). Cytogenetic location: 4q26.
Variant type: single nucleotide variant.
Coding change: c.11791G>A on transcript NM_001148.6 (MANE Select); coding-DNA position 11791, G replaced by A.
Protein change: p.Glu3931Lys; replaces glutamic acid 3931 with lysine.
Molecular consequence: missense variant. On other transcripts: intron variant (9).
Genome position (GRCh38, 1-based): chr4:113,373,381, G>A. VCF-style: chr4-113373381-G-A. GRCh37 (hg19) VCF-style: chr4-114294537-G-A.
Other names: p.E3931K:GAG>AAG; p.Glu1846Lys; c.11791G>A (LRG_327t1, NM_001148.5); c.5509G>A, p.Glu1837Lys (NM_001127493.3); c.5548G>A, p.Glu1850Lys (NM_001354225.2); c.5530G>A, p.Glu1844Lys (NM_001354228.2); c.5515G>A, p.Glu1839Lys (NM_001354230.2); c.5671G>A, p.Glu1891Lys (NM_001354231.2); and 54 more; short protein forms E1813K, E1837K, E3931K, E1846K, E1746K, E1799K, E1836K, E1839K.
Identifiers: ClinVar variation 18060 (VCV000018060.55), dbSNP rs45454496, ClinGen allele CA145040.

ClinVar aggregate classification (germline): Benign/Likely benign. Review status: criteria provided, multiple submitters, no conflicts (2 of 4 stars). 19 submissions from 19 submitters: Benign (7); Likely benign (9). 3 of the submissions do not count toward it. Last evaluated 2026-08-01.

Conditions:
ANK2-related disorder. Also called: ANK2-related condition.
Cardiac arrhythmia. Also called: Arrhythmia; Cardiac rhythm disease. Identifiers: MedGen C0003811, MONDO:0007263, HP:0011675.
Cardiovascular phenotype. Identifiers: MedGen CN230736.
Ventricular fibrillation. Identifiers: MedGen C0042510, MONDO:0000190, HP:0001663.
Long QT syndrome (LQTS). Identifiers: MedGen C0023976, MeSH D008133, MONDO:0002442. Disease mechanism: loss of function. Inheritance: Various modes of inheritance.
Cardiac arrhythmia, ankyrin-B-related. Also called: ANKYRIN-B SYNDROME. Identifiers: Orphanet 101016, Orphanet 768, MedGen C1970119, MONDO:0010958, OMIM 600919.

Allele frequency attached by ClinVar (database versions not stated): 1000 Genomes Project 30x 0.00062; gnomAD 0.00230 and 0.00235; gnomAD exomes 0.00352 and 0.00283; 1000 Genomes Project 0.00080; TOPMed 0.00261; ExAC 0.00267.
gnomAD v4.1: 5,535 of 1,614,190 alleles (0.34%); highest among the groups gnomAD compares: Middle Eastern, 0.54%; 21 homozygotes.

Submissions (19):

CeGaT Center for Human Genetics Tuebingen
Classification: Likely benign. Last evaluated: 2026-08-01. Review status: criteria provided, single submitter. Criteria: CeGaT Center For Human Genetics Tuebingen Variant Classification Criteria Version 2. Collection method: clinical testing. Allele origin: germline. Affected: yes. Observed: 17 variant alleles.
Comment: ANK2: BP4, BS1

Labcorp Genetics (formerly Invitae), Labcorp
Classification: Benign for Long QT syndrome. Last evaluated: 2026-02-03. Review status: criteria provided, single submitter. Criteria: Invitae Variant Classification Sherloc (09022015). Collection method: clinical testing. Allele origin: germline.

Molecular Diagnostic Laboratory for Inherited Cardiovascular Disease, Montreal Heart Institute
Classification: Likely benign. Last evaluated: 2025-04-09. Review status: criteria provided, single submitter. Criteria: ACMG Guidelines, 2015. Collection method: clinical testing. Allele origin: germline. Affected: no.

Blueprint Genetics
Classification: Likely benign. Last evaluated: 2024-11-26. Review status: criteria provided, single submitter. Criteria: ACMG Guidelines, 2015. Collection method: clinical testing. Allele origin: germline.

Mayo Clinic Laboratories, Mayo Clinic
Classification: Benign. Last evaluated: 2024-01-11. Review status: criteria provided, single submitter. Criteria: ACMG Guidelines, 2015. Collection method: clinical testing. Allele origin: germline. Observed: 8 variant alleles.
Comment: BS1, BS2

Genome-Nilou Lab
Classification: Benign for Cardiac arrhythmia, ankyrin-B-related. Last evaluated: 2021-12-05. Review status: criteria provided, single submitter. Criteria: ACMG Guidelines, 2015. Collection method: clinical testing. Allele origin: germline. Affected: no.

Mendelics
Classification: Likely benign for Cardiac arrhythmia, ankyrin-B-related. Last evaluated: 2019-05-28. Review status: criteria provided, single submitter. Criteria: Mendelics Assertion Criteria 2017. Collection method: clinical testing. Allele origin: unknown.

Center for Advanced Laboratory Medicine, UC San Diego Health, University of California San Diego
Classification: Benign for Ventricular fibrillation. Last evaluated: 2018-10-02. Review status: criteria provided, single submitter. Criteria: ACMG Guidelines, 2015. Collection method: clinical testing. Allele origin: germline. Affected: yes. Observed: 1 variant allele.

GeneDx
Classification: Benign. Last evaluated: 2017-07-25. Review status: criteria provided, single submitter. Criteria: GeneDx Variant Classification (06012015). Collection method: clinical testing. Allele origin: germline. Affected: yes.
Comment: This variant is considered likely benign or benign based on one or more of the following criteria: it is a conservative change, it occurs at a poorly conserved position in the protein, it is predicted to be benign by multiple in silico algorithms, and/or has population frequency not consistent with disease.

Illumina Laboratory Services, Illumina
Classification: Likely benign for Cardiac arrhythmia, ankyrin-B-related. Last evaluated: 2017-04-27. Review status: criteria provided, single submitter. Criteria: ICSL Variant Classification Criteria 13 December 2019. Collection method: clinical testing. Allele origin: germline.
Comment: This variant was observed as part of a predisposition screen in an ostensibly healthy population. A literature search was performed for the gene, cDNA change, and amino acid change (where applicable). No publications were found based on this search. Allele frequency data from public databases allowed determination this variant is unlikely to cause disease. Therefore, this variant is classified as likely benign.

Center for Pediatric Genomic Medicine, Children's Mercy Hospital and Clinics
Classification: Likely benign. Last evaluated: 2017-01-25. Review status: criteria provided, single submitter. Criteria: ACMG Guidelines, 2015. Collection method: clinical testing. Allele origin: germline.
ClinVar note: Converted during submission from Likely Benign to Likely benign.

Ambry Genetics
Classification: Benign for Cardiovascular phenotype. Last evaluated: 2016-06-13. Review status: criteria provided, single submitter. Criteria: Ambry Variant Classification Scheme 2023. Collection method: clinical testing. Allele origin: germline.

Women's Health and Genetics/Laboratory Corporation of America, LabCorp
Classification: Likely benign. Last evaluated: 2016-03-07. Review status: criteria provided, single submitter. Criteria: LabCorp Variant Classification Summary - May 2015. Collection method: clinical testing. Allele origin: germline.
Comment: Variant summary: Variant affects a conserved nucleotide and results in a replacement of a medium size acidic Glutamate (E) with a large size and basic Lysine (K). 2/5 in silico tool predict deleterious outcome for this change. It was found in the large and broad cohorts of NHLBI-ESP; ExAC and 1000G projects as well as in healthy control individuals in disease specific publications at a composite allele frequency of 0.26.8% which greatly exceeds the maximal allele frequency of a disease causing ANK2 allele (0.001%) indicating a benign impact. In addition, there are three homozygous individuals reported in ExAC further supporting a non-disease causing outcome. Variant was found in ARTHY patients however because of the lack of familial segregation data or comprehensive ANK2 testing these studies do not permit establishment of a cause-effect relationship between the variant and ARTHY (Mohler_PNAS_2004; Mohler_Circ_2007). One research group investigated the impact of the variant on the function of the protein and concluded that overall, the variant has negligible loss of function impact on the protein (Mohler_Circulation_2007). Clinical diagnostic centers classify variant as Benign/Likely Benign via ClinVar without evidence to independently evaluate. Taken together, evidences support a benign nature for the variant, therefore variant was classified as likely benign.

Eurofins Ntd Llc (ga)
Classification: Likely benign. Last evaluated: 2014-12-04. Review status: criteria provided, single submitter. Criteria: EGL Classification Definitions 2015. Collection method: clinical testing. Allele origin: germline. Observed: 3 variant alleles, 3 heterozygotes.

Biesecker Lab/Clinical Genomics Section, National Institutes of Health
Classification: Benign for Cardiac arrhythmia. Last evaluated: 2013-06-24. Review status: criteria provided, single submitter. Criteria: Ng et al. (Circ Cardiovasc Genet. 2013). Collection method: research. Allele origin: unknown. Observed: 13 variant alleles. Study: ClinSeq.
Comment: The study set was not selected for affection status in relation to any cancer. Pathogenicity categories were based on literature curation. See Pubmed ID:23861362 for details.

Medical sequencing

Breakthrough Genomics
Classification: Likely benign. Review status: criteria provided, single submitter. Criteria: ACMG Guidelines, 2015. Collection method: not provided. Allele origin: germline. Inheritance: Autosomal dominant inheritance. Affected: yes.

PreventionGenetics, part of Exact Sciences
Classification: Benign for ANK2-related condition. Last evaluated: 2019-05-07. Review status: no assertion criteria provided. Collection method: clinical testing. Allele origin: germline. Not counted in ClinVar's aggregate classification.
Comment: This variant is classified as benign based on ACMG/AMP sequence variant interpretation guidelines (Richards et al. 2015 PMID: 25741868, with internal and published modifications).

OMIM
Classification: Uncertain significance for RECLASSIFIED - VARIANT OF UNKNOWN SIGNIFICANCE. Last evaluated: 2004-06-15. Review status: no assertion criteria provided. Collection method: literature only. Allele origin: germline. Not counted in ClinVar's aggregate classification.

Cardiovascular Biomedical Research Unit, Royal Brompton & Harefield NHS Foundation Trust
No classification provided. Condition: Cardiac arrhythmia. Review status: no classification provided. Collection method: literature only. Allele origin: germline. Not counted in ClinVar's aggregate classification.
Comment: This variant has been reported as associated with Cardiac arrhythmia in the following publications (PMID:15178757). This is a literature report, and does not necessarily reflect the clinical interpretation of the Imperial College / Royal Brompton Cardiovascular Genetics laboratory.

Literature cited by the submitters: PubMed 16650839 (cited by Women's Health and Genetics/Laboratory Corporation of America, LabCorp); PubMed 16253912 (cited by Women's Health and Genetics/Laboratory Corporation of America, LabCorp); PubMed 15178757 (cited by 3 submitters); PubMed 25333069 (cited by Women's Health and Genetics/Laboratory Corporation of America, LabCorp); PubMed 15970537 (cited by Women's Health and Genetics/Laboratory Corporation of America, LabCorp); PubMed 17242276 (cited by Women's Health and Genetics/Laboratory Corporation of America, LabCorp); PubMed 17261669 (cited by Women's Health and Genetics/Laboratory Corporation of America, LabCorp); PubMed 11334825 (cited by OMIM); PubMed 22581653 (cited by Cardiovascular Biomedical Research Unit, Royal Brompton & Harefield NHS Foundation Trust).